The following is an entry in ClinVar:

ClinVar aggregate classification (germline): Uncertain significance (1 of 4 stars; one submission).

gnomAD v4.1: 17 of 1,587,464 alleles (0.0011%); highest among the groups gnomAD compares: Admixed American, 0.0071%; no homozygotes.

Submission:

Labcorp Genetics (formerly Invitae), Labcorp
Classification: Uncertain significance. Last evaluated: 2025-12-06. Review status: criteria provided, single submitter. Criteria: Invitae Variant Classification Sherloc (09022015). Collection method: clinical testing. Allele origin: germline.
Comment: This sequence change replaces aspartic acid, which is acidic and polar, with asparagine, which is neutral and polar, at codon 365 of the NFATC1 protein (p.Asp365Asn). This variant is present in population databases (no rsID available, gnomAD 0.006%). This variant has not been reported in the literature in individuals affected with NFATC1-related conditions. An algorithm developed to predict the effect of missense changes on protein structure and function (PolyPhen-2) suggests that this variant is likely to be tolerated. In summary, the available evidence is currently insufficient to determine the role of this variant in disease. Therefore, it has been classified as a Variant of Uncertain Significance.

NM_001278669.2(NFATC1):c.1093G>A (p.Asp365Asn)

Gene: NFATC1 (nuclear factor of activated T cells 1; plus strand). Cytogenetic location: 18q23.
Variant type: single nucleotide variant.
Coding change: c.1093G>A on transcript NM_001278669.2 (MANE Select); coding-DNA position 1093, G replaced by A.
Protein change: p.Asp365Asn; replaces aspartic acid 365 with asparagine.
Molecular consequence: missense variant. On other transcripts: intron variant (2).
Genome position (GRCh38, 1-based): chr18:79,411,368, G>A. VCF-style: chr18-79411368-G-A. GRCh37 (hg19) VCF-style: chr18-77171368-G-A.
Other names: c.1093G>A, p.Asp365Asn (NM_001278670.2, NM_006162.5, NM_172390.3); c.1054G>A, p.Asp352Asn (NM_001278672.2, NM_001278675.2, NM_172387.3 and 1 more transcripts); c.-191+15017G>A (NM_172388.3); c.-191+10889G>A (NM_001278673.2); short protein forms D352N, D365N.
Identifiers: ClinVar variation 4690868 (VCV004690868.1).